The following is an entry in ClinVar:

ClinVar aggregate classification (germline): Pathogenic (1 of 4 stars; one submission).

Conditions:
Seizures, benign familial infantile, 3 (BFIS3). Also called: CONVULSIONS, BENIGN FAMILIAL INFANTILE, 3; Familial neonatal seizures. Identifiers: Orphanet 140927, Orphanet 306, MedGen C1843140, MONDO:0011904, OMIM 607745.
Developmental and epileptic encephalopathy, 11 (DEE11). Also called: Early infantile epileptic encephalopathy 11. Identifiers: Orphanet 1934, MedGen C3150987, MONDO:0013388, OMIM 613721.

Submission:

Labcorp Genetics (formerly Invitae), Labcorp
Classification: Pathogenic for Seizures, benign familial infantile, 3; Developmental and epileptic encephalopathy, 11. Last evaluated: 2022-07-13. Review status: criteria provided, single submitter. Criteria: Invitae Variant Classification Sherloc (09022015). Collection method: clinical testing. Allele origin: germline.
Comment: Algorithms developed to predict the effect of sequence changes on RNA splicing suggest that this variant may disrupt the consensus splice site. For these reasons, this variant has been classified as Pathogenic. This variant has not been reported in the literature in individuals affected with SCN2A-related conditions. This variant is not present in population databases (gnomAD no frequency). This sequence change creates a premature translational stop signal (p.Arg1306Glufs*3) in the SCN2A gene. It is expected to result in an absent or disrupted protein product. Loss-of-function variants in SCN2A are known to be pathogenic (PMID: 28379373).

Literature cited by the submitters: PubMed 28379373.

NM_001040142.2(SCN2A):c.3915del (p.Arg1306fs)

Gene: SCN2A (sodium voltage-gated channel alpha subunit 2; plus strand). Cytogenetic location: 2q24.3.
Variant type: Deletion.
Coding change: c.3915del on transcript NM_001040142.2 (MANE Select); coding-DNA position 3915, one base deleted (C; older notation c.3915delC).
Protein change: p.Arg1306fs; shifts the reading frame from arginine 1306.
Molecular consequence: frameshift variant.
Genome position (GRCh38, 1-based): chr2:165,373,290, C deleted. VCF-style (leftmost placement, unchanged base first): chr2-165373289-TC-T. GRCh37 (hg19) VCF-style: chr2-166229799-TC-T.
Other names: c.3915del, p.Arg1306fs (NM_001040143.2, NM_001371246.1, NM_001371247.1 and 1 more transcripts); short protein forms R1306fs.
Identifiers: ClinVar variation 2016590 (VCV002016590.4), dbSNP rs2468096199, ClinGen allele CA2580064241.